The following is an entry in ClinVar:

ClinVar aggregate classification (germline): Uncertain significance (1 of 4 stars; one submission).

Conditions:
TXNL4A-related disorder. Also called: TXNL4A-related condition.

Allele frequency attached by ClinVar (database versions not stated): gnomAD 0.00001.

Submission:

PreventionGenetics, part of Exact Sciences
Classification: Uncertain significance for TXNL4A-related condition. Last evaluated: 2023-03-25. Review status: criteria provided, single submitter. Criteria: ACMG Guidelines, 2015. Collection method: clinical testing. Allele origin: germline.
Comment: The TXNL4A c.1A>C variant is predicted to disrupt the translation initiation site (Start loss). To our knowledge, this variant has not been reported in the literature or in a large population database, indicating this variant is rare. Although we suspect that this variant may be pathogenic, at this time, the clinical significance of this variant is uncertain due to the absence of conclusive functional and genetic evidence.

NM_006701.5(TXNL4A):c.1A>C (p.Met1Leu)

Genes: TXNL4A (thioredoxin like 4A; minus strand), LOC130062794 (ATAC-STARR-seq lymphoblastoid silent region 9585; plus strand). Cytogenetic location: 18q23.
Variant type: single nucleotide variant.
Coding change: c.1A>C on transcript NM_006701.5 (MANE Select); coding-DNA position 1, A replaced by C.
Protein change: p.Met1Leu; changes the start codon (methionine 1).
Molecular consequence: missense variant, initiator codon variant. On other transcripts: 5 prime UTR variant (1), non-coding transcript variant (3), intron variant (2).
Genome position (GRCh38, 1-based): chr18:79,988,392, T>G on the plus strand (A>C on the coding strand, the complement: TXNL4A is on the minus strand). VCF-style: chr18-79988392-T-G. GRCh37 (hg19) VCF-style: chr18-77748392-T-G.
Other names: c.-266A>C (NM_001303471.3); c.1A>C, p.Met1Leu (NM_001305557.2); c.-60-10691A>C (NM_001305564.2, NM_001305563.2); short protein forms M1L.
Identifiers: ClinVar variation 2630212 (VCV002630212.1), dbSNP rs1281458263, ClinGen allele CA402843982.